The following is an entry in ClinVar:

ClinVar aggregate classification (germline): Uncertain significance (1 of 4 stars; one submission).

Conditions:
Epilepsy, familial focal, with variable foci 3 (FFEVF3). Identifiers: MedGen C4310708, MONDO:0014925, OMIM 617118.

Allele frequency attached by ClinVar (database versions not stated): TOPMed below 0.00001; gnomAD exomes 0.00001.
gnomAD v4.1: 12 of 1,603,004 alleles (0.00075%); highest among the groups gnomAD compares: South Asian, 0.0022%; 1 homozygote.

Submission:

Labcorp Genetics (formerly Invitae), Labcorp
Classification: Uncertain significance for Epilepsy, familial focal, with variable foci 3. Last evaluated: 2024-12-28. Review status: criteria provided, single submitter. Criteria: Invitae Variant Classification Sherloc (09022015). Collection method: clinical testing. Allele origin: germline.
Comment: This sequence change affects codon 63 of the NPRL3 mRNA. It is a 'silent' change, meaning that it does not change the encoded amino acid sequence of the NPRL3 protein. It affects a nucleotide within the consensus splice site. This variant is not present in population databases (gnomAD no frequency). This variant has not been reported in the literature in individuals affected with NPRL3-related conditions. ClinVar contains an entry for this variant (Variation ID: 1945688). Algorithms developed to predict the effect of sequence changes on RNA splicing suggest that this variant is not likely to affect RNA splicing. In summary, the available evidence is currently insufficient to determine the role of this variant in disease. Therefore, it has been classified as a Variant of Uncertain Significance.

NM_001077350.3(NPRL3):c.189G>A (p.Arg63=)

Genes: HBA-LCR (alpha-globin locus control region; plus strand), NPRL3 (NPR3 like, GATOR1 complex subunit; minus strand). Cytogenetic location: 16p13.3.
Variant type: single nucleotide variant.
Coding change: c.189G>A on transcript NM_001077350.3 (MANE Select); coding-DNA position 189, G replaced by A.
Protein change: p.Arg63=; no amino-acid change (arginine 63 retained).
Molecular consequence: synonymous variant. On other transcripts: 5 prime UTR variant (1), intron variant (1).
Genome position (GRCh38, 1-based): chr16:119,255, C>T on the plus strand (G>A on the coding strand, the complement: NPRL3 is on the minus strand). VCF-style: chr16-119255-C-T. GRCh37 (hg19) VCF-style: chr16-169254-C-T.
Other names: c.-46G>A (NM_001243247.2); c.189G>A, p.Arg63= (NM_001243248.2, NM_001243249.2); c.-144-6480G>A (NM_001039476.3).
Identifiers: ClinVar variation 1945688 (VCV001945688.5), dbSNP rs1428881304, ClinGen allele CA492753437.